The following is an entry in ClinVar:

NM_000179.3(MSH6):c.2230G>C (p.Glu744Gln)

Gene: MSH6 (mutS homolog 6; plus strand). Cytogenetic location: 2p16.3.
Variant type: single nucleotide variant.
Coding change: c.2230G>C on transcript NM_000179.3 (MANE Select); coding-DNA position 2230, G replaced by C.
Protein change: p.Glu744Gln; replaces glutamic acid 744 with glutamine.
Molecular consequence: missense variant.
Genome position (GRCh38, 1-based): chr2:47,800,213, G>C. VCF-style: chr2-47800213-G-C. GRCh37 (hg19) VCF-style: chr2-48027352-G-C.
Other names: c.1840G>C, p.Glu614Gln (NM_001281492.2); c.1324G>C, p.Glu442Gln (NM_001281493.2, NM_001281494.2); short protein forms E442Q, E744Q, E614Q.
Identifiers: ClinVar variation 928234 (VCV000928234.4), dbSNP rs1669437051, ClinGen allele CA346752501.
Genomic context (GRCh38, chr2:47,800,213, plus strand): 5'-GCTATCTTCACCAAAGCCTATCAACGAATGGTGCTAGATGCAGTGACATTAAACAACTTG[G>C]AGATTTTTCTGAATGGAACAAATGGTTCTACTGAAGGAACCCTACTAGAGAGGGTTGATA-3'
Protein context (NP_000170.1, residues 734-754): VLDAVTLNNL[Glu744Gln]IFLNGTNGST

ClinVar aggregate classification (germline): Uncertain significance (1 of 4 stars; one submission).

Conditions:
Hereditary cancer-predisposing syndrome. Also called: Neoplastic Syndromes, Hereditary; Hereditary Cancer Syndrome; Tumor predisposition; Hereditary neoplastic syndrome. Identifiers: Orphanet 140162, MedGen C0027672, MeSH D009386, MONDO:0015356.

Submission:

Color Diagnostics, LLC DBA Color Health
Classification: Uncertain significance for Hereditary cancer-predisposing syndrome. Last evaluated: 2023-12-05. Review status: criteria provided, single submitter. Criteria: ACMG Guidelines, 2015. Collection method: clinical testing. Allele origin: germline.
Comment: This missense variant replaces glutamic acid with glutamine at codon 744 of the MSH6 protein. Computational prediction suggests that this variant may have deleterious impact on protein structure and function (internally defined REVEL score threshold >= 0.7, PMID: 27666373). To our knowledge, functional studies have not been reported for this variant. This variant has not been reported in individuals affected with MSH6-related disorders in the literature. This variant has not been identified in the general population by the Genome Aggregation Database (gnomAD). The available evidence is insufficient to determine the role of this variant in disease conclusively. Therefore, this variant is classified as a Variant of Uncertain Significance.